The following is an entry in ClinVar:

NM_000465.4(BARD1):c.1733C>G (p.Ser578Cys)

Gene: BARD1 (BRCA1 associated RING domain 1; minus strand). Cytogenetic location: 2q35.
Variant type: single nucleotide variant.
Coding change: c.1733C>G on transcript NM_000465.4 (MANE Select); coding-DNA position 1733, C replaced by G.
Protein change: p.Ser578Cys; replaces serine 578 with cysteine.
Molecular consequence: missense variant. On other transcripts: non-coding transcript variant (3), intron variant (1).
Genome position (GRCh38, 1-based): chr2:214,745,799, G>C on the plus strand (C>G on the coding strand, the complement: BARD1 is on the minus strand). VCF-style: chr2-214745799-G-C. GRCh37 (hg19) VCF-style: chr2-215610523-G-C.
Other names: c.1676C>G, p.Ser559Cys (NM_001282543.2); c.380C>G, p.Ser127Cys (NM_001282545.2); c.323C>G, p.Ser108Cys (NM_001282548.2); c.365-15291C>G (NM_001282549.2); short protein forms S127C, S559C, S578C, S108C.
Identifiers: ClinVar variation 2585712 (VCV002585712.2), dbSNP rs786202519, ClinGen allele CA350453086.

ClinVar aggregate classification (germline): Uncertain significance (1 of 4 stars; one submission).

Conditions:
Hereditary cancer-predisposing syndrome. Also called: Hereditary neoplastic syndrome; Tumor predisposition; Hereditary Cancer Syndrome; Neoplastic Syndromes, Hereditary. Identifiers: Orphanet 140162, MedGen C0027672, MeSH D009386, MONDO:0015356.

Submission:

Ambry Genetics
Classification: Uncertain significance for Hereditary cancer-predisposing syndrome. Last evaluated: 2023-09-11. Review status: criteria provided, single submitter. Criteria: Ambry Variant Classification Scheme 2023. Collection method: clinical testing. Allele origin: germline.
Comment: The p.S578C variant (also known as c.1733C>G), located in coding exon 8 of the BARD1 gene, results from a C to G substitution at nucleotide position 1733. The serine at codon 578 is replaced by cysteine, an amino acid with dissimilar properties. In one study, this alteration was observed in 1/3236 cases with invasive epithelial ovarian cancer and 0/3431 controls (Ramus SJ et al. J Natl Cancer Inst, 2015 Nov;107:). This amino acid position is well conserved in available vertebrate species. In addition, this alteration is predicted to be tolerated by in silico analysis. Since supporting evidence is limited at this time, the clinical significance of this alteration remains unclear.

Literature cited by the submitters: PubMed 26315354.